The following is an entry in ClinVar:

ClinVar aggregate classification (germline): Uncertain significance. Review status: criteria provided, multiple submitters, no conflicts (2 of 4 stars). 5 submissions from 5 submitters: Uncertain significance (5). Last evaluated 2025-12-09.

Conditions:
Myofibrillar myopathy 2. Also called: MYOPATHY, DESMIN-RELATED, ASSOCIATED WITH MUTATION IN THE CRYAB GENE; MYOPATHY, MYOFIBRILLAR, ALPHA-B CRYSTALLIN-RELATED; MYOPATHY, MYOFIBRILLAR, WITH OR WITHOUT CATARACT AND/OR CARDIOMYOPATHY; MYOPATHY, MYOFIBRILLAR, 2A, ADULT-ONSET. Identifiers: Orphanet 280553, Orphanet 399058, MedGen C1837317, MONDO:0012130.
Dilated cardiomyopathy 1II (CMD1II). Identifiers: Orphanet 154, MedGen C3554649, MONDO:0014073, OMIM 615184.
Fatal infantile hypertonic myofibrillar myopathy (MFM2B). Also called: MFM, FATAL INFANTILE HYPERTONIC, ALPHA-B CRYSTALLIN-RELATED; MYOPATHY, MYOFIBRILLAR, 2B, INFANTILE-ONSET. Identifiers: Orphanet 280553, MedGen C5190691, MONDO:0013472, OMIM 613869.
Cataract 16 multiple types. Also called: CATARACT, CONGENITAL LAMELLAR; CATARACT 16, POSTERIOR POLAR; CATARACT 16, CONGENITAL LAMELLAR. Identifiers: Orphanet 91492, Orphanet 98992, Orphanet 98993, Orphanet 98995, MedGen C3808377, MONDO:0013411, OMIM 613763.
Cardiovascular phenotype. Identifiers: MedGen CN230736.

Allele frequency attached by ClinVar (database versions not stated): gnomAD exomes below 0.00001; ExAC 0.00001.
gnomAD v4.1: 3 of 1,614,168 alleles (0.00019%); highest among the groups gnomAD compares: African/African-American, 0.0013%; no homozygotes.

Submissions (5):

Labcorp Genetics (formerly Invitae), Labcorp
Classification: Uncertain significance for Dilated cardiomyopathy 1II. Last evaluated: 2025-12-09. Review status: criteria provided, single submitter. Criteria: Invitae Variant Classification Sherloc (09022015). Collection method: clinical testing. Allele origin: germline.
Comment: This sequence change replaces arginine, which is basic and polar, with cysteine, which is neutral and slightly polar, at codon 107 of the CRYAB protein (p.Arg107Cys). This variant is present in population databases (rs782520163, gnomAD 0.007%). This variant has not been reported in the literature in individuals affected with CRYAB-related conditions. ClinVar contains an entry for this variant (Variation ID: 1410499). An algorithm developed to predict the effect of missense changes on protein structure and function (PolyPhen-2) suggests that this variant is likely to be disruptive. This variant disrupts the p.Arg107 amino acid residue in CRYAB. Other variant(s) that disrupt this residue have been determined to be pathogenic (PMID: 26694549, 38494110). This suggests that this residue is clinically significant, and that variants that disrupt this residue are likely to be disease-causing. In summary, the available evidence is currently insufficient to determine the role of this variant in disease. Therefore, it has been classified as a Variant of Uncertain Significance.

Women's Health and Genetics/Laboratory Corporation of America, LabCorp
Classification: Uncertain significance. Last evaluated: 2025-02-08. Review status: criteria provided, single submitter. Criteria: LabCorp Variant Classification Summary - May 2015. Collection method: clinical testing. Allele origin: germline.

Ambry Genetics
Classification: Uncertain significance for Cardiovascular phenotype. Last evaluated: 2024-07-28. Review status: criteria provided, single submitter. Criteria: Ambry Variant Classification Scheme 2023. Collection method: clinical testing. Allele origin: germline.
Comment: The p.R107C variant (also known as c.319C>T), located in coding exon 2 of the CRYAB gene, results from a C to T substitution at nucleotide position 319. The arginine at codon 107 is replaced by cysteine, an amino acid with highly dissimilar properties. This amino acid position is conserved. In addition, this alteration is predicted to be deleterious by in silico analysis. Based on the available evidence, the clinical significance of this variant remains unclear.

AiLife Diagnostics
Classification: Uncertain significance. Last evaluated: 2022-02-17. Review status: criteria provided, single submitter. Criteria: ACMG Guidelines, 2015. Collection method: clinical testing. Allele origin: germline. Affected: yes. Observed: 1 variant allele.

Fulgent Genetics
Classification: Uncertain significance for Cataract 16 multiple types; Fatal infantile hypertonic myofibrillar myopathy; Dilated cardiomyopathy 1II. Last evaluated: 2021-07-26. Review status: criteria provided, single submitter. Criteria: ACMG Guidelines, 2015. Collection method: clinical testing. Allele origin: unknown.

Literature cited by the submitters: PubMed 26694549 (cited by Labcorp Genetics (formerly Invitae), Labcorp); PubMed 38494110 (cited by Labcorp Genetics (formerly Invitae), Labcorp).

NM_001289808.2(CRYAB):c.319C>T (p.Arg107Cys)

Gene: CRYAB (crystallin alpha B; minus strand). Cytogenetic location: 11q23.1.
Variant type: single nucleotide variant.
Coding change: c.319C>T on transcript NM_001289808.2 (MANE Select); coding-DNA position 319, C replaced by T.
Protein change: p.Arg107Cys; replaces arginine 107 with cysteine.
Molecular consequence: missense variant.
Genome position (GRCh38, 1-based): chr11:111,910,332, G>A on the plus strand (C>T on the coding strand, the complement: CRYAB is on the minus strand). VCF-style: chr11-111910332-G-A. GRCh37 (hg19) VCF-style: chr11-111781056-G-A.
Other names: c.319C>T (NM_001885.1); c.319C>T, p.Arg107Cys (NM_001289807.1, NM_001368245.1, NM_001885.3); c.118C>T, p.Arg40Cys (NM_001330379.1, NM_001368246.1); short protein forms R107C, R40C.
Identifiers: ClinVar variation 1410499 (VCV001410499.12), dbSNP rs782520163, ClinGen allele CA6275525.